The following is an entry in ClinVar:

ClinVar aggregate classification (germline): Uncertain significance (1 of 4 stars; one submission).

Conditions:
Myofibrillar myopathy 5. Also called: FILAMINOPATHY, AUTOSOMAL DOMINANT; Filaminopathy (type). Identifiers: Orphanet 171445, MedGen C1836050, MONDO:0012289, OMIM 609524.
Distal myopathy with posterior leg and anterior hand involvement. Also called: WILLIAMS DISTAL MYOPATHY. Identifiers: Orphanet 63273, MedGen C3279722, MONDO:0013550, OMIM 614065.
Hypertrophic cardiomyopathy 26. Also called: Cardiomyopathy, familial hypertrophic, 26. Identifiers: Orphanet 75249, MedGen C4310749, MONDO:0014883, OMIM 617047.

Allele frequency attached by ClinVar (database versions not stated): gnomAD exomes below 0.00001.
gnomAD v4.1: 1 of 1,613,192 alleles (0.000062%); highest among the groups gnomAD compares: Non-Finnish European, 0.000085%; no homozygotes.

Submission:

Labcorp Genetics (formerly Invitae), Labcorp
Classification: Uncertain significance for Distal myopathy with posterior leg and anterior hand involvement; Myofibrillar myopathy 5; Hypertrophic cardiomyopathy 26. Last evaluated: 2020-12-18. Review status: criteria provided, single submitter. Criteria: Invitae Variant Classification Sherloc (09022015). Collection method: clinical testing. Allele origin: germline.
Comment: This variant is not present in population databases (ExAC no frequency). In summary, the available evidence is currently insufficient to determine the role of this variant in disease. Therefore, it has been classified as a Variant of Uncertain Significance. Algorithms developed to predict the effect of missense changes on protein structure and function are either unavailable or do not agree on the potential impact of this missense change (SIFT: "Deleterious"; PolyPhen-2: "Probably Damaging"; Align-GVGD: "Class C0"). This variant has not been reported in the literature in individuals with FLNC-related conditions. This sequence change replaces arginine with cysteine at codon 44 of the FLNC protein (p.Arg44Cys). The arginine residue is highly conserved and there is a large physicochemical difference between arginine and cysteine.

NM_001458.5(FLNC):c.130C>T (p.Arg44Cys)

Gene: FLNC (filamin C; plus strand). Cytogenetic location: 7q32.1.
Variant type: single nucleotide variant.
Coding change: c.130C>T on transcript NM_001458.5 (MANE Select); coding-DNA position 130, C replaced by T.
Protein change: p.Arg44Cys; replaces arginine 44 with cysteine.
Molecular consequence: missense variant.
Genome position (GRCh38, 1-based): chr7:128,830,767, C>T. VCF-style: chr7-128830767-C-T. GRCh37 (hg19) VCF-style: chr7-128470821-C-T.
Other names: c.130C>T, p.Arg44Cys (NM_001127487.2); short protein forms R44C.
Identifiers: ClinVar variation 1052550 (VCV001052550.9), dbSNP rs2128932137, ClinGen allele CA369215915.